The following is an entry in ClinVar:

ClinVar aggregate classification (germline): Pathogenic (1 of 4 stars; one submission).

Conditions:
Werner syndrome (WRN). Identifiers: Orphanet 902, MedGen C0043119, MONDO:0010196, OMIM 277700.

Submission:

Labcorp Genetics (formerly Invitae), Labcorp
Classification: Pathogenic for Werner syndrome. Last evaluated: 2024-01-19. Review status: criteria provided, single submitter. Criteria: Invitae Variant Classification Sherloc (09022015). Collection method: clinical testing. Allele origin: germline.
Comment: This sequence change creates a premature translational stop signal (p.Trp676*) in the WRN gene. It is expected to result in an absent or disrupted protein product. Loss-of-function variants in WRN are known to be pathogenic (PMID: 16673358). This variant is not present in population databases (gnomAD no frequency). This variant has not been reported in the literature in individuals affected with WRN-related conditions. ClinVar contains an entry for this variant (Variation ID: 657431). For these reasons, this variant has been classified as Pathogenic.

Literature cited by the submitters: PubMed 16673358.

NM_000553.6(WRN):c.2028G>A (p.Trp676Ter)

Gene: WRN (WRN RecQ like helicase; plus strand). Cytogenetic location: 8p12.
Variant type: single nucleotide variant.
Coding change: c.2028G>A on transcript NM_000553.6 (MANE Select); coding-DNA position 2028, G replaced by A.
Protein change: p.Trp676Ter; replaces tryptophan 676 with a stop codon.
Molecular consequence: nonsense.
Genome position (GRCh38, 1-based): chr8:31,100,895, G>A. VCF-style: chr8-31100895-G-A. GRCh37 (hg19) VCF-style: chr8-30958411-G-A.
Other names: short protein forms W676*.
Identifiers: ClinVar variation 657431 (VCV000657431.5), dbSNP rs1585455586, ClinGen allele CA370908524.